The following is an entry in ClinVar:

NM_000398.7(CYB5R3):c.304G>A (p.Asp102Asn)

Gene: CYB5R3 (cytochrome b5 reductase 3; minus strand). Cytogenetic location: 22q13.2.
Variant type: single nucleotide variant.
Coding change: c.304G>A on transcript NM_000398.7 (MANE Select); coding-DNA position 304, G replaced by A.
Protein change: p.Asp102Asn; replaces aspartic acid 102 with asparagine.
Molecular consequence: missense variant.
Genome position (GRCh38, 1-based): chr22:42,630,911, C>T on the plus strand (G>A on the coding strand, the complement: CYB5R3 is on the minus strand). VCF-style: chr22-42630911-C-T. GRCh37 (hg19) VCF-style: chr22-43026917-C-T.
Other names: c.304G>A, p.Asp102Asn (NM_001031678.1); c.235G>A, p.Asp79Asn (NM_001129819.2, NM_001171661.1, NM_007326.4); c.403G>A, p.Asp135Asn (NM_001171660.2); short protein forms D102N, D135N, D79N.
Identifiers: ClinVar variation 1905115 (VCV001905115.5), dbSNP rs774575029, ClinGen allele CA10269832.

ClinVar aggregate classification (germline): Uncertain significance (1 of 4 stars; one submission).

Allele frequency attached by ClinVar (database versions not stated): gnomAD 0.00001; ExAC 0.00002; TOPMed 0.00003.
gnomAD v4.1: 10 of 1,613,826 alleles (0.00062%); highest among the groups gnomAD compares: East Asian, 0.018%; no homozygotes.

Submission:

Labcorp Genetics (formerly Invitae), Labcorp
Classification: Uncertain significance. Last evaluated: 2022-08-19. Review status: criteria provided, single submitter. Criteria: Invitae Variant Classification Sherloc (09022015). Collection method: clinical testing. Allele origin: germline.
Comment: This sequence change replaces aspartic acid, which is acidic and polar, with asparagine, which is neutral and polar, at codon 102 of the CYB5R3 protein (p.Asp102Asn). This variant is present in population databases (rs774575029, gnomAD 0.05%). This variant has not been reported in the literature in individuals affected with CYB5R3-related conditions. Algorithms developed to predict the effect of missense changes on protein structure and function (SIFT, PolyPhen-2, Align-GVGD) all suggest that this variant is likely to be tolerated. In summary, the available evidence is currently insufficient to determine the role of this variant in disease. Therefore, it has been classified as a Variant of Uncertain Significance.